The following is an entry in ClinVar:

ClinVar aggregate classification (germline): Uncertain significance. Review status: criteria provided, multiple submitters, no conflicts (2 of 4 stars). 2 submissions from 2 submitters: Uncertain significance (2). Last evaluated 2025-04-14.

Conditions:
Inborn genetic diseases. Identifiers: MedGen C0950123, MeSH D030342.
Brown-Vialetto-van Laere syndrome 1. Also called: BROWN-VIALETTO-VAN LAERE SYNDROME 1, MILD; BULBAR PALSY, PROGRESSIVE, WITH SENSORINEURAL DEAFNESS; PONTOBULBAR PALSY WITH DEAFNESS. Identifiers: Orphanet 572550, Orphanet 97229, MedGen C0796274, MONDO:0024537, OMIM 211530.

Submissions (2):

Ambry Genetics
Classification: Uncertain significance for Inborn genetic diseases. Last evaluated: 2025-04-14. Review status: criteria provided, single submitter. Criteria: Ambry Variant Classification Scheme 2023. Collection method: clinical testing. Allele origin: germline.

Labcorp Genetics (formerly Invitae), Labcorp
Classification: Uncertain significance for Brown-Vialetto-van Laere syndrome 1. Last evaluated: 2021-06-15. Review status: criteria provided, single submitter. Criteria: Invitae Variant Classification Sherloc (09022015). Collection method: clinical testing. Allele origin: germline.
Comment: In summary, the available evidence is currently insufficient to determine the role of this variant in disease. Therefore, it has been classified as a Variant of Uncertain Significance. Algorithms developed to predict the effect of missense changes on protein structure and function (SIFT, PolyPhen-2, Align-GVGD) all suggest that this variant is likely to be tolerated, but these predictions have not been confirmed by published functional studies and their clinical significance is uncertain. This variant has not been reported in the literature in individuals with SLC52A3-related conditions. The frequency data for this variant in the population databases is considered unreliable, as metrics indicate poor data quality at this position in the ExAC database. This sequence change replaces cysteine with tyrosine at codon 409 of the SLC52A3 protein (p.Cys409Tyr). The cysteine residue is weakly conserved and there is a large physicochemical difference between cysteine and tyrosine.

NM_033409.4(SLC52A3):c.1226G>A (p.Cys409Tyr)

Gene: SLC52A3 (solute carrier family 52 member 3; minus strand). Cytogenetic location: 20p13.
Variant type: single nucleotide variant.
Coding change: c.1226G>A on transcript NM_033409.4 (MANE Select); coding-DNA position 1226, G replaced by A.
Protein change: p.Cys409Tyr; replaces cysteine 409 with tyrosine.
Molecular consequence: missense variant.
Genome position (GRCh38, 1-based): chr20:761,210, C>T on the plus strand (G>A on the coding strand, the complement: SLC52A3 is on the minus strand). VCF-style: chr20-761210-C-T. GRCh37 (hg19) VCF-style: chr20-741854-C-T.
Other names: c.1226G>A, p.Cys409Tyr (NM_001370085.1, NM_001370086.1); c.1226G>A (NM_033409.3); short protein forms C409Y.
Identifiers: ClinVar variation 1361335 (VCV001361335.9), dbSNP rs765645474, ClinGen allele CA9724537.